The following is an entry in ClinVar:

NM_170606.3(KMT2C):c.2538T>C (p.Ala846=)

Gene: KMT2C (lysine methyltransferase 2C; minus strand). Cytogenetic location: 7q36.1.
Variant type: single nucleotide variant.
Coding change: c.2538T>C on transcript NM_170606.3 (MANE Select); coding-DNA position 2538, T replaced by C.
Protein change: p.Ala846=; no amino-acid change (alanine 846 retained).
Molecular consequence: synonymous variant.
Genome position (GRCh38, 1-based): chr7:152,238,821, A>G on the plus strand (T>C on the coding strand, the complement: KMT2C is on the minus strand). VCF-style: chr7-152238821-A-G. GRCh37 (hg19) VCF-style: chr7-151935906-A-G.
Identifiers: ClinVar variation 2658235 (VCV002658235.24), dbSNP rs766200477, ClinGen allele CA169245037.

ClinVar aggregate classification (germline): Likely benign (1 of 4 stars; one submission).

Submission:

CeGaT Center for Human Genetics Tuebingen
Classification: Likely benign. Last evaluated: 2023-08-01. Review status: criteria provided, single submitter. Criteria: CeGaT Center For Human Genetics Tuebingen Variant Classification Criteria Version 2. Collection method: clinical testing. Allele origin: germline. Affected: yes. Observed: 1 variant allele.
Comment: KMT2C: PM2:Supporting, BP4, BP7